The following is an entry in ClinVar:

ClinVar aggregate classification (germline): Conflicting classifications of pathogenicity. Review status: criteria provided, conflicting classifications (1 of 4 stars). 3 submissions from 3 submitters: Uncertain significance (2); Likely benign (1). Last evaluated 2024-09-20.

Conditions:
Inborn genetic diseases. Identifiers: MedGen C0950123, MeSH D030342.
3M syndrome 2. Also called: 3-M Syndrome, OBSL1-Related; THREE M SYNDROME 2. Identifiers: Orphanet 2616, MedGen C2752041, MONDO:0013039, OMIM 612921.

Allele frequency attached by ClinVar (database versions not stated): gnomAD 0.00001; TOPMed 0.00003; gnomAD exomes 0.00004; ExAC 0.00005.
gnomAD v4.1: 65 of 1,613,758 alleles (0.004%); highest among the groups gnomAD compares: East Asian, 0.027%; no homozygotes.

Submissions (3):

3billion
Classification: Likely benign for 3M syndrome 2. Last evaluated: 2024-09-20. Review status: criteria provided, single submitter. Criteria: ACMG Guidelines, 2015. Collection method: clinical testing. Allele origin: germline. Affected: no.
Comment: The homozygous variant was found in patients diagnosed with another variant in a different gene, with no symptoms related to the gene containing the homozygous variant.

Ambry Genetics
Classification: Uncertain significance for Inborn genetic diseases. Last evaluated: 2023-12-21. Review status: criteria provided, single submitter. Criteria: Ambry Variant Classification Scheme 2023. Collection method: clinical testing. Allele origin: germline.

Labcorp Genetics (formerly Invitae), Labcorp
Classification: Uncertain significance. Last evaluated: 2022-11-22. Review status: criteria provided, single submitter. Criteria: Invitae Variant Classification Sherloc (09022015). Collection method: clinical testing. Allele origin: germline.
Comment: In summary, the available evidence is currently insufficient to determine the role of this variant in disease. Therefore, it has been classified as a Variant of Uncertain Significance. Algorithms developed to predict the effect of missense changes on protein structure and function output the following: SIFT: "Tolerated"; PolyPhen-2: "Benign"; Align-GVGD: "Class C0". The lysine amino acid residue is found in multiple mammalian species, which suggests that this missense change does not adversely affect protein function. ClinVar contains an entry for this variant (Variation ID: 1003374). This variant has not been reported in the literature in individuals affected with OBSL1-related conditions. The frequency data for this variant in the population databases is considered unreliable, as metrics indicate poor data quality at this position in the gnomAD database. This sequence change replaces glutamic acid, which is acidic and polar, with lysine, which is basic and polar, at codon 658 of the OBSL1 protein (p.Glu658Lys).

NM_015311.3(OBSL1):c.1972G>A (p.Glu658Lys)

Gene: OBSL1 (obscurin like cytoskeletal adaptor 1; minus strand). Cytogenetic location: 2q35.
Variant type: single nucleotide variant.
Coding change: c.1972G>A on transcript NM_015311.3 (MANE Select); coding-DNA position 1972, G replaced by A.
Protein change: p.Glu658Lys; replaces glutamic acid 658 with lysine.
Molecular consequence: missense variant.
Genome position (GRCh38, 1-based): chr2:219,566,992, C>T on the plus strand (G>A on the coding strand, the complement: OBSL1 is on the minus strand). VCF-style: chr2-219566992-C-T. GRCh37 (hg19) VCF-style: chr2-220431714-C-T.
Other names: c.1972G>A (NM_015311.2); c.1972G>A, p.Glu658Lys (NM_001173408.2, NM_001173431.2); short protein forms E658K.
Identifiers: ClinVar variation 1003374 (VCV001003374.10), dbSNP rs112487236, ClinGen allele CA2131366.
Genomic context (GRCh38, chr2:219,566,992, plus strand): 5'-GCAGACCCTTCTGCTCTATACGGTACCGCAGGGCCCCAGGTTCCACCTGGCCCTCCGGCT[C>T]GTTACTCTTGAGCTCTTCCCCATTAAGGAACCAGGTACCCTGGATGATGGTGGAGAGATC-3'
Protein context (NP_056126.1, residues 648-668): FLNGEELKSN[Glu658Lys]PEGQVEPGAL